The following is an entry in ClinVar:

ClinVar aggregate classification (germline): Uncertain significance. Review status: criteria provided, multiple submitters, no conflicts (2 of 4 stars). 2 submissions from 2 submitters: Uncertain significance (2). Last evaluated 2024-10-17.

Conditions:
T-B+ severe combined immunodeficiency due to JAK3 deficiency. Also called: SCID, T CELL-NEGATIVE, B CELL-POSITIVE, NK CELL-NEGATIVE; SCID, autosomal recessive, T-negative/B-positive type. Identifiers: Orphanet 35078, MedGen C1833275, MONDO:0010938, OMIM 600802.

Allele frequency attached by ClinVar (database versions not stated): gnomAD 0.00011 and 0.00012; ExAC 0.00013; gnomAD exomes 0.00013 and 0.00018; TOPMed 0.00019; ESP Exome Variant Server 0.00038.
gnomAD v4.1: 281 of 1,613,518 alleles (0.017%); highest among the groups gnomAD compares: Non-Finnish European, 0.023%; no homozygotes.

Submissions (2):

Blueprint Genetics
Classification: Uncertain significance. Last evaluated: 2024-10-17. Review status: criteria provided, single submitter. Criteria: ACMG Guidelines, 2015. Collection method: clinical testing. Allele origin: germline.

Labcorp Genetics (formerly Invitae), Labcorp
Classification: Uncertain significance for T-B+ severe combined immunodeficiency due to JAK3 deficiency. Last evaluated: 2022-08-10. Review status: criteria provided, single submitter. Criteria: Invitae Variant Classification Sherloc (09022015). Collection method: clinical testing. Allele origin: germline.
Comment: This sequence change replaces tyrosine, which is neutral and polar, with histidine, which is basic and polar, at codon 1023 of the JAK3 protein (p.Tyr1023His). This variant is present in population databases (rs145260622, gnomAD 0.03%). This variant has not been reported in the literature in individuals affected with JAK3-related conditions. ClinVar contains an entry for this variant (Variation ID: 855164). Advanced modeling of protein sequence and biophysical properties (such as structural, functional, and spatial information, amino acid conservation, physicochemical variation, residue mobility, and thermodynamic stability) performed at Invitae indicates that this missense variant is not expected to disrupt JAK3 protein function. In summary, the available evidence is currently insufficient to determine the role of this variant in disease. Therefore, it has been classified as a Variant of Uncertain Significance.

NM_000215.4(JAK3):c.3067T>C (p.Tyr1023His)

Gene: JAK3 (Janus kinase 3; minus strand). Cytogenetic location: 19p13.11.
Variant type: single nucleotide variant.
Coding change: c.3067T>C on transcript NM_000215.4 (MANE Select); coding-DNA position 3067, T replaced by C.
Protein change: p.Tyr1023His; replaces tyrosine 1023 with histidine.
Molecular consequence: missense variant.
Genome position (GRCh38, 1-based): chr19:17,830,532, A>G on the plus strand (T>C on the coding strand, the complement: JAK3 is on the minus strand). VCF-style: chr19-17830532-A-G. GRCh37 (hg19) VCF-style: chr19-17941341-A-G.
Other names: short protein forms Y1023H.
Identifiers: ClinVar variation 855164 (VCV000855164.8), dbSNP rs145260622, ClinGen allele CA9301441.